The following is an entry in ClinVar:

ClinVar aggregate classification (germline): Conflicting classifications of pathogenicity. Review status: criteria provided, conflicting classifications (1 of 4 stars). 2 submissions from 2 submitters: Uncertain significance (1); Likely benign (1). Last evaluated 2026-01-05.

Conditions:
Hypertrophic cardiomyopathy 26. Also called: Cardiomyopathy, familial hypertrophic, 26. Identifiers: Orphanet 75249, MedGen C4310749, MONDO:0014883, OMIM 617047.
Distal myopathy with posterior leg and anterior hand involvement. Also called: WILLIAMS DISTAL MYOPATHY. Identifiers: Orphanet 63273, MedGen C3279722, MONDO:0013550, OMIM 614065.
Myofibrillar myopathy 5. Also called: FILAMINOPATHY, AUTOSOMAL DOMINANT; Filaminopathy (type). Identifiers: Orphanet 171445, MedGen C1836050, MONDO:0012289, OMIM 609524.
Cardiovascular phenotype. Identifiers: MedGen CN230736.

Allele frequency attached by ClinVar (database versions not stated): ExAC 0.00002; gnomAD exomes 0.00002.
gnomAD v4.1: 20 of 1,612,644 alleles (0.0012%); highest among the groups gnomAD compares: South Asian, 0.0011%; no homozygotes.

Submissions (2):

Labcorp Genetics (formerly Invitae), Labcorp
Classification: Likely benign for Distal myopathy with posterior leg and anterior hand involvement; Myofibrillar myopathy 5; Hypertrophic cardiomyopathy 26. Last evaluated: 2026-01-05. Review status: criteria provided, single submitter. Criteria: Invitae Variant Classification Sherloc (09022015). Collection method: clinical testing. Allele origin: germline.

Ambry Genetics
Classification: Uncertain significance for Cardiovascular phenotype. Last evaluated: 2025-09-17. Review status: criteria provided, single submitter. Criteria: Ambry Variant Classification Scheme 2023. Collection method: clinical testing. Allele origin: germline.
Comment: The p.V2439M variant (also known as c.7315G>A), located in coding exon 44 of the FLNC gene, results from a G to A substitution at nucleotide position 7315. The valine at codon 2439 is replaced by methionine, an amino acid with highly similar properties. This amino acid position is conserved. In addition, this alteration is predicted to be tolerated by in silico analysis. Since supporting evidence is limited at this time, the clinical significance of this alteration remains unclear.

NM_001458.5(FLNC):c.7315G>A (p.Val2439Met)

Genes: FLNC-AS1 (FLNC antisense RNA 1; minus strand), FLNC (filamin C; plus strand). Cytogenetic location: 7q32.1.
Variant type: single nucleotide variant.
Coding change: c.7315G>A on transcript NM_001458.5 (MANE Select); coding-DNA position 7315, G replaced by A.
Protein change: p.Val2439Met; replaces valine 2439 with methionine.
Molecular consequence: missense variant.
Genome position (GRCh38, 1-based): chr7:128,856,581, G>A. VCF-style: chr7-128856581-G-A. GRCh37 (hg19) VCF-style: chr7-128496635-G-A.
Other names: c.7216G>A, p.Val2406Met (NM_001127487.2); short protein forms V2406M, V2439M.
Identifiers: ClinVar variation 1038729 (VCV001038729.12), dbSNP rs752667511, ClinGen allele CA4476232.